The following is an entry in ClinVar:

NM_198129.4(LAMA3):c.4619C>T (p.Ala1540Val)

Gene: LAMA3 (laminin subunit alpha 3; plus strand). Cytogenetic location: 18q11.2.
Variant type: single nucleotide variant.
Coding change: c.4619C>T on transcript NM_198129.4 (MANE Select); coding-DNA position 4619, C replaced by T.
Protein change: p.Ala1540Val; replaces alanine 1540 with valine.
Molecular consequence: missense variant.
Genome position (GRCh38, 1-based): chr18:23,864,819, C>T. VCF-style: chr18-23864819-C-T. GRCh37 (hg19) VCF-style: chr18-21444783-C-T.
Other names: c.4619C>T, p.Ala1540Val (NM_001127717.4); short protein forms A1540V.
Identifiers: ClinVar variation 3357754 (VCV003357754.1).

ClinVar aggregate classification (germline): Uncertain significance (0 of 4 stars; one submission).

Conditions:
LAMA3-related disorder. Also called: LAMA3-related condition; LAMA3-related disorders.

gnomAD v4.1: 30 of 1,613,420 alleles (0.0019%); highest among the groups gnomAD compares: Non-Finnish European, 0.0024%; no homozygotes.

Submission:

PreventionGenetics, part of Exact Sciences
Classification: Uncertain significance for LAMA3-related condition. Last evaluated: 2024-03-08. Review status: no assertion criteria provided. Collection method: clinical testing. Allele origin: germline.
Comment: The LAMA3 c.4619C>T variant is predicted to result in the amino acid substitution p.Ala1540Val. To our knowledge, this variant has not been reported in the literature. This variant is reported in 0.0047% of alleles in individuals of European (Non-Finnish) descent in gnomAD. At this time, the clinical significance of this variant is uncertain due to the absence of conclusive functional and genetic evidence.